The following is an entry in ClinVar:

NM_000878.5(IL2RB):c.789G>T (p.Leu263Phe)

Gene: IL2RB (interleukin 2 receptor subunit beta; minus strand). Cytogenetic location: 22q12.3.
Variant type: single nucleotide variant.
Coding change: c.789G>T on transcript NM_000878.5 (MANE Select); coding-DNA position 789, G replaced by T.
Protein change: p.Leu263Phe; replaces leucine 263 with phenylalanine.
Molecular consequence: missense variant.
Genome position (GRCh38, 1-based): chr22:37,135,357, C>A on the plus strand (G>T on the coding strand, the complement: IL2RB is on the minus strand). VCF-style: chr22-37135357-C-A. GRCh37 (hg19) VCF-style: chr22-37531397-C-A.
Other names: c.789G>T, p.Leu263Phe (NM_001346222.1, NM_001346223.2); short protein forms L263F.
Identifiers: ClinVar variation 4773554 (VCV004773554.1).

ClinVar aggregate classification (germline): Uncertain significance (1 of 4 stars; one submission).

Submission:

Labcorp Genetics (formerly Invitae), Labcorp
Classification: Uncertain significance. Last evaluated: 2025-05-19. Review status: criteria provided, single submitter. Criteria: Invitae Variant Classification Sherloc (09022015). Collection method: clinical testing. Allele origin: germline.
Comment: This sequence change replaces leucine, which is neutral and non-polar, with phenylalanine, which is neutral and non-polar, at codon 263 of the IL2RB protein (p.Leu263Phe). This variant is not present in population databases (gnomAD no frequency). This variant has not been reported in the literature in individuals affected with IL2RB-related conditions. An algorithm developed to predict the effect of missense changes on protein structure and function outputs the following: PolyPhen-2: "Benign". The phenylalanine amino acid residue is found in multiple mammalian species, which suggests that this missense change does not adversely affect protein function. In summary, the available evidence is currently insufficient to determine the role of this variant in disease. Therefore, it has been classified as a Variant of Uncertain Significance.